The following is an entry in ClinVar:

NM_002296.4(LBR):c.90C>T (p.His30=)

Gene: LBR (lamin B receptor; minus strand). Cytogenetic location: 1q42.12.
Variant type: single nucleotide variant.
Coding change: c.90C>T on transcript NM_002296.4 (MANE Select); coding-DNA position 90, C replaced by T.
Protein change: p.His30=; no amino-acid change (histidine 30 retained).
Molecular consequence: synonymous variant.
Genome position (GRCh38, 1-based): chr1:225,423,986, G>A on the plus strand (C>T on the coding strand, the complement: LBR is on the minus strand). VCF-style: chr1-225423986-G-A. GRCh37 (hg19) VCF-style: chr1-225611688-G-A.
Other names: c.90C>T, p.His30= (NM_194442.3).
Identifiers: ClinVar variation 295949 (VCV000295949.54), dbSNP rs2230416, ClinGen allele CA1417574.

ClinVar aggregate classification (germline): Benign/Likely benign. Review status: criteria provided, multiple submitters, no conflicts (2 of 4 stars). 8 submissions from 8 submitters: Benign (6); Likely benign (2). Last evaluated 2026-08-01.

Conditions:
Greenberg dysplasia (GRBGD). Also called: HEM SKELETAL DYSPLASIA; MOTH-EATEN SKELETAL DYSPLASIA; CHONDRODYSTROPHY, HYDROPIC AND PRENATALLY LETHAL TYPE. Identifiers: Orphanet 1426, MedGen C2931048, MONDO:0008974, OMIM 215140.
Connective tissue disorder. Also called: Connective tissue disease. Identifiers: MedGen C0009782, MONDO:0003900.

Allele frequency attached by ClinVar (database versions not stated): 1000 Genomes Project 0.00339; 1000 Genomes Project 30x 0.00375; TOPMed 0.00671; gnomAD 0.00750 and 0.00758; gnomAD exomes 0.00892 and 0.01109; ESP Exome Variant Server 0.00953; ExAC 0.00981.
gnomAD v4.1: 17,222 of 1,613,732 alleles (1.1%); highest among the groups gnomAD compares: Non-Finnish European, 1.2%; 124 homozygotes.

Submissions (8):

CeGaT Center for Human Genetics Tuebingen
Classification: Benign. Last evaluated: 2026-08-01. Review status: criteria provided, single submitter. Criteria: CeGaT Center For Human Genetics Tuebingen Variant Classification Criteria Version 2. Collection method: clinical testing. Allele origin: germline. Affected: yes. Observed: 12 variant alleles.
Comment: LBR: BP4, BP7, BS1, BS2

Labcorp Genetics (formerly Invitae), Labcorp
Classification: Benign. Last evaluated: 2026-02-01. Review status: criteria provided, single submitter. Criteria: Invitae Variant Classification Sherloc (09022015). Collection method: clinical testing. Allele origin: germline.

ARUP Laboratories, Molecular Genetics and Genomics, ARUP Laboratories
Classification: Benign. Last evaluated: 2025-05-06. Review status: criteria provided, single submitter. Criteria: ARUP Molecular Germline Variant Investigation Process 2024. Collection method: clinical testing. Allele origin: germline.

Genome Diagnostics Laboratory, The Hospital for Sick Children
Classification: Benign for Connective tissue disorder. Last evaluated: 2021-09-27. Review status: criteria provided, single submitter. Criteria: ACMG Guidelines, 2015. Collection method: clinical testing. Allele origin: germline.

GeneDx
Classification: Likely benign. Last evaluated: 2021-02-03. Review status: criteria provided, single submitter. Criteria: GeneDx Variant Classification Process June 2021. Collection method: clinical testing. Allele origin: germline. Affected: yes.

Athena Diagnostics
Classification: Benign. Last evaluated: 2018-09-18. Review status: criteria provided, single submitter. Criteria: Athena Diagnostics Criteria. Collection method: clinical testing. Allele origin: germline.

Illumina Laboratory Services, Illumina
Classification: Benign for Greenberg dysplasia. Last evaluated: 2018-01-12. Review status: criteria provided, single submitter. Criteria: ICSL Variant Classification Criteria 13 December 2019. Collection method: clinical testing. Allele origin: germline.
Comment: This variant was observed in the ICSL laboratory as part of a predisposition screen in an ostensibly healthy population. It had not been previously curated by ICSL or reported in the Human Gene Mutation Database (HGMD: prior to June 1st, 2018), and was therefore a candidate for classification through an automated scoring system. Utilizing variant allele frequency, disease prevalence and penetrance estimates, and inheritance mode, an automated score was calculated to assess if this variant is too frequent to cause the disease. Based on the score and internal cut-off values, a variant classified as benign is not then subjected to further curation. The score for this variant resulted in a classification of benign for this disease.

Breakthrough Genomics
Classification: Likely benign. Review status: criteria provided, single submitter. Criteria: ACMG Guidelines, 2015. Collection method: not provided. Allele origin: germline. Inheritance: Autosomal recessive inheritance. Affected: yes.